The following is an entry in ClinVar:

ClinVar aggregate classification (germline): Uncertain significance (1 of 4 stars; one submission).

Submission:

Labcorp Genetics (formerly Invitae), Labcorp
Classification: Uncertain significance. Last evaluated: 2025-08-07. Review status: criteria provided, single submitter. Criteria: Invitae Variant Classification Sherloc (09022015). Collection method: clinical testing. Allele origin: germline.
Comment: This variant, c.933_950del, results in the deletion of 6 amino acid(s) of the GEN1 protein (p.Val312_Lys317del), but otherwise preserves the integrity of the reading frame. This variant is present in population databases (rs764642571, gnomAD 0.2%), and has an allele count higher than expected for a pathogenic variant. This variant has not been reported in the literature in individuals affected with GEN1-related conditions. ClinVar contains an entry for this variant (Variation ID: 2887657). Experimental studies and prediction algorithms are not available or were not evaluated, and the functional significance of this variant is currently unknown. In summary, the available evidence is currently insufficient to determine the role of this variant in disease. Therefore, it has been classified as a Variant of Uncertain Significance.

NM_001130009.3(GEN1):c.933_950del (p.Val312_Lys317del)

Gene: GEN1 (GEN1 structure-specific endonuclease; plus strand). Cytogenetic location: 2p24.2.
Variant type: Deletion.
Coding change: c.933_950del on transcript NM_001130009.3 (MANE Select); coding-DNA positions 933 to 950, 18 bases deleted (AGTAGAGAACAATATTAA).
Protein change: p.Val312_Lys317del.
Molecular consequence: inframe deletion.
Genome position (GRCh38, 1-based): chr2:17,772,764-17,772,781, AGTAGAGAACAATATTAA deleted; deleting any 18 consecutive bases within chr2:17,772,763-17,772,781 gives the same sequence; the c. name uses the placement nearest the transcript's 3' end. VCF-style (leftmost placement, unchanged base first): chr2-17772762-GAAGTAGAGAACAATATTA-G. GRCh37 (hg19) VCF-style: chr2-17954029-GAAGTAGAGAACAATATTA-G.
Other names: c.933_950del, p.Val312_Lys317del (NM_182625.5).
Identifiers: ClinVar variation 2887657 (VCV002887657.3), dbSNP rs764642571, ClinGen allele CA1540599.
Genomic context (GRCh38, chr2:17,772,762, plus strand): 5'-GACTATGAATACTGCTGTCCTTGTGAGTGGCACCGTACAGAACATGATAGGCAACTCAGT[GAAGTAGAGAACAATATTA>G]AGAAGTAAGTTTTTTTAAAAACTCATGATTTTTCCTGGCATGACCTATACACATACCTTT-3'